The following is an entry in ClinVar:

NM_000530.8(MPZ):c.184A>T (p.Ile62Phe)

Gene: MPZ (myelin protein zero; minus strand). Cytogenetic location: 1q23.3.
Variant type: single nucleotide variant.
Coding change: c.184A>T on transcript NM_000530.8 (MANE Select); coding-DNA position 184, A replaced by T.
Protein change: p.Ile62Phe; replaces isoleucine 62 with phenylalanine.
Molecular consequence: missense variant.
Genome position (GRCh38, 1-based): chr1:161,307,308, T>A on the plus strand (A>T on the coding strand, the complement: MPZ is on the minus strand). VCF-style: chr1-161307308-T-A. GRCh37 (hg19) VCF-style: chr1-161277098-T-A.
Other names: c.184A>T, p.Ile62Phe (LRG_256t1, NM_001315491.2); c.184A>T (NM_000530.6); short protein forms I62F.
Identifiers: ClinVar variation 14189 (VCV000014189.2), dbSNP rs121913602, ClinGen allele CA123807.

ClinVar aggregate classification (germline): Pathogenic. Review status: criteria provided, single submitter (1 of 4 stars). 2 submissions from 2 submitters: Pathogenic (1). 1 of the submissions does not count toward it. Last evaluated 2024-12-10.

Conditions:
CHARCOT-MARIE-TOOTH DISEASE, TYPE 1B, WITH FOCALLY FOLDED MYELIN SHEATHS. Identifiers: MedGen C4016266.

Submissions (2):

GeneDx
Classification: Pathogenic. Last evaluated: 2024-12-10. Review status: criteria provided, single submitter. Criteria: GeneDx Variant Classification Process June 2021. Collection method: clinical testing. Allele origin: germline. Affected: yes.
Comment: Published functional studies demonstrate reduced protein expression and functionality (PMID: 11935267); Missense variants in this gene are a common cause of disease and they are underrepresented in the general population; In silico analysis indicates that this missense variant does not alter protein structure/function; Not observed at significant frequency in large population cohorts (gnomAD); This variant is associated with the following publications: (PMID: 8310815, 26310628, 20461396, 11935267, 33179255, 10214757)

OMIM
Classification: Pathogenic for CHARCOT-MARIE-TOOTH DISEASE, TYPE 1B, WITH FOCALLY FOLDED MYELIN SHEATHS. Last evaluated: 1999-04-12. Review status: no assertion criteria provided. Collection method: literature only. Allele origin: germline. Not counted in ClinVar's aggregate classification.

Literature cited by the submitters: PubMed 8310815 (cited by OMIM); PubMed 10214757 (cited by OMIM).